The following is an entry in ClinVar:

NM_000812.4(GABRB1):c.835+5T>G

Gene: GABRB1 (gamma-aminobutyric acid type A receptor subunit beta1; plus strand). Cytogenetic location: 4p12.
Variant type: single nucleotide variant.
Coding change: c.835+5T>G on transcript NM_000812.4 (MANE Select); 5 bases into the intron after coding-DNA position 835, T replaced by G.
Molecular consequence: intron variant.
Genome position (GRCh38, 1-based): chr4:47,403,716, T>G. VCF-style: chr4-47403716-T-G. GRCh37 (hg19) VCF-style: chr4-47405733-T-G.
Identifiers: ClinVar variation 1348253 (VCV001348253.6), dbSNP rs777418972, ClinGen allele CA2907686.

ClinVar aggregate classification (germline): Uncertain significance (1 of 4 stars; one submission).

Allele frequency attached by ClinVar (database versions not stated): gnomAD exomes below 0.00001 and 0.00002; TOPMed below 0.00001; ExAC 0.00001; gnomAD 0.00001.
gnomAD v4.1: 28 of 1,611,442 alleles (0.0017%); highest among the groups gnomAD compares: Non-Finnish European, 0.002%; no homozygotes.

Submission:

Labcorp Genetics (formerly Invitae), Labcorp
Classification: Uncertain significance. Last evaluated: 2022-06-02. Review status: criteria provided, single submitter. Criteria: Invitae Variant Classification Sherloc (09022015). Collection method: clinical testing. Allele origin: germline.
Comment: ClinVar contains an entry for this variant (Variation ID: 1348253). This variant has not been reported in the literature in individuals affected with GABRB1-related conditions. This variant is present in population databases (rs777418972, gnomAD 0.0009%). This sequence change falls in intron 7 of the GABRB1 gene. It does not directly change the encoded amino acid sequence of the GABRB1 protein. It affects a nucleotide within the consensus splice site. Variants that disrupt the consensus splice site are a relatively common cause of aberrant splicing (PMID: 17576681, 9536098). Algorithms developed to predict the effect of sequence changes on RNA splicing suggest that this variant is not likely to affect RNA splicing. In summary, the available evidence is currently insufficient to determine the role of this variant in disease. Therefore, it has been classified as a Variant of Uncertain Significance.

Literature cited by the submitters: PubMed 17576681; PubMed 9536098.